The following is an entry in ClinVar:

NM_005476.7(GNE):c.1771G>A (p.Ala591Thr)

Gene: GNE (glucosamine (UDP-N-acetyl)-2-epimerase/N-acetylmannosamine kinase; minus strand). Cytogenetic location: 9p13.3.
Variant type: single nucleotide variant.
Coding change: c.1771G>A on transcript NM_005476.7 (MANE Select); coding-DNA position 1771, G replaced by A.
Protein change: p.Ala591Thr; replaces alanine 591 with threonine.
Molecular consequence: missense variant.
Genome position (GRCh38, 1-based): chr9:36,219,883, C>T on the plus strand (G>A on the coding strand, the complement: GNE is on the minus strand). VCF-style: chr9-36219883-C-T. GRCh37 (hg19) VCF-style: chr9-36219880-C-T.
Other names: c.1864G>A (NM_001128227.2); c.1864G>A, p.Ala622Thr (NM_001128227.3); c.1549G>A, p.Ala517Thr (NM_001190383.3); c.1441G>A, p.Ala481Thr (NM_001190384.3); c.1594G>A, p.Ala532Thr (NM_001190388.2, NM_001374798.1); c.1618G>A, p.Ala540Thr (NM_001374797.1); short protein forms A591T, A622T, A481T, A517T, A532T, A540T.
Identifiers: ClinVar variation 498575 (VCV000498575.15), dbSNP rs752286512, ClinGen allele CA5056429.

ClinVar aggregate classification (germline): Conflicting classifications of pathogenicity. Review status: criteria provided, conflicting classifications (1 of 4 stars). 7 submissions from 7 submitters: Pathogenic (3); Likely pathogenic (3); Uncertain significance (1). Last evaluated 2025-10-10.

Conditions:
GNE myopathy (NM). Also called: IBM 2; Inclusion body myopathy autosomal recessive; Inclusion body myopathy quadriceps sparing; NONAKA DISTAL MYOPATHY; MYOPATHY, DISTAL, WITH OR WITHOUT RIMMED VACUOLES; INCLUSION BODY MYOPATHY, HEREDITARY, AUTOSOMAL RECESSIVE. Identifiers: Orphanet 602, MedGen C1853926, MONDO:0011603, OMIM 605820.
Sialuria. Also called: SIALURIA, FRENCH TYPE; Sialic Acid Storage Disease. Identifiers: Orphanet 3166, MedGen C0342853, MONDO:0010028, OMIM 269921.

Allele frequency attached by ClinVar (database versions not stated): gnomAD exomes below 0.00001 and 0.00001; ExAC 0.00002.
gnomAD v4.1: 6 of 1,614,144 alleles (0.00037%); highest among the groups gnomAD compares: South Asian, 0.0022%; no homozygotes.

Submissions (7):

Myriad Genetics, Inc.
Classification: Likely pathogenic for GNE myopathy. Last evaluated: 2025-10-10. Review status: criteria provided, single submitter. Criteria: Myriad Autosomal Dominant, Autosomal Recessive and X-Linked Classification Criteria (2023). Collection method: clinical testing. Allele origin: unknown.
Comment: NM_001128227.2(GNE):c.1864G>A(A622T) is a missense variant classified as likely pathogenic in the context of GNE myopathy. A622T has been observed in cases with relevant disease (PMID: 36829089, 31286697, 21868336, 30390020, 38674419, 36483092). Relevant functional assessments of this variant are not available in the literature. A622T has been observed in referenced population frequency databases. In summary, NM_001128227.2(GNE):c.1864G>A(A622T) is a missense variant that has been observed more frequently in cases with the relevant disease than in healthy populations. Please note: this variant was assessed in the context of healthy population screening.

Natera, Inc.
Classification: Pathogenic for Nonaka myopathy. Last evaluated: 2025-06-23. Review status: criteria provided, single submitter. Criteria: Natera Variant Classification Schema (03/2026). Collection method: clinical testing. Allele origin: germline.
Comment: The c.1864G>A variant in GNE is a missense variant predicted to cause substitution of alanine to threonine at amino acid 622. This variant is rare in the general population with a frequency below the threshold expected for the associated phenotype(s). This variant has been observed in one or more individuals affected with the associated recessive disease, as either homozygous or compound heterozygous with a second variant (PMID: 16372135, 31286697, 25303967, 35138478). Additionally, this variant has been observed to segregate in affected family members (PMID: 36829089, 31286697). Computational prediction algorithms indicate this variant is likely to affect gene or protein function. Given the available evidence, this variant is classified as Pathogenic.

Labcorp Genetics (formerly Invitae), Labcorp
Classification: Pathogenic for Sialuria; GNE myopathy. Last evaluated: 2025-06-11. Review status: criteria provided, single submitter. Criteria: Invitae Variant Classification Sherloc (09022015). Collection method: clinical testing. Allele origin: germline.
Comment: This sequence change replaces alanine, which is neutral and non-polar, with threonine, which is neutral and polar, at codon 622 of the GNE protein (p.Ala622Thr). This variant is present in population databases (rs752286512, gnomAD 0.002%). This missense change has been observed in individual(s) with autosomal recessive GNE-related conditions (PMID: 16372135, 21868336, 30390020, 31286697, 38674419). In at least one individual the data is consistent with being in trans (on the opposite chromosome) from a pathogenic variant. This variant is also known as p.A591T. ClinVar contains an entry for this variant (Variation ID: 498575). Invitae Evidence Modeling of protein sequence and biophysical properties (such as structural, functional, and spatial information, amino acid conservation, physicochemical variation, residue mobility, and thermodynamic stability) has been performed for this missense variant. However, the output from this modeling did not meet the statistical confidence thresholds required to predict the impact of this variant on GNE protein function. This variant disrupts the p.Ala622 amino acid residue in GNE. Other variant(s) that disrupt this residue have been observed in individuals with GNE-related conditions (PMID: 30390020), which suggests that this may be a clinically significant amino acid residue. For these reasons, this variant has been classified as Pathogenic.

Women's Health and Genetics/Laboratory Corporation of America, LabCorp
Classification: Pathogenic for GNE myopathy. Last evaluated: 2025-04-16. Review status: criteria provided, single submitter. Criteria: LabCorp Variant Classification Summary - May 2015. Collection method: clinical testing. Allele origin: germline.
Comment: Variant summary: GNE c.1864G>A (p.Ala622Thr; also known as p.A591T in the literature) results in a non-conservative amino acid change in the encoded protein sequence. Five of five in-silico tools predict a damaging effect of the variant on protein function. The variant allele was found at a frequency of 8e-06 in 251484 control chromosomes (gnomAD). c.1864G>A has been observed in individual(s) affected with autosomal recessive GNE myopathy (JoonKim_2006, Lu_2011, Leoyklang_2018, Baskar_2024, Lv_2022). These data indicate that the variant is likely to be associated with disease. The following publications have been ascertained in the context of this evaluation (PMID: 16372135, 22196754, 29603301, 39213088, 35138478). ClinVar contains an entry for this variant (Variation ID: 498575). Based on the evidence outlined above, the variant was classified as pathogenic.

Baylor Genetics
Classification: Likely pathogenic for GNE myopathy. Last evaluated: 2023-03-30. Review status: criteria provided, single submitter. Criteria: ACMG Guidelines, 2015. Collection method: clinical testing. Allele origin: unknown.

Eurofins Ntd Llc (ga)
Classification: Uncertain significance. Last evaluated: 2016-12-06. Review status: criteria provided, single submitter. Criteria: EGL Classification Definitions 2015. Collection method: clinical testing. Allele origin: germline. Observed: 3 variant alleles, 3 heterozygotes.

Juno Genomics, Hangzhou Juno Genomics, Inc
Classification: Likely pathogenic for GNE myopathy. Review status: criteria provided, single submitter. Criteria: ACMG Guidelines, 2015. Collection method: clinical testing. Allele origin: germline. Affected: yes.
Comment: Absent from controls (or at extremely low frequency if recessive) in Genome Aggregation Database, Exome Sequencing Project, 1000 Genomes Project, or Exome Aggregation Consortium.;Multiple lines of computational evidence support a deleterious effect on the gene or gene product (conservation, evolutionary, splicing impact, etc).;For recessive disorders, detected in trans with a pathogenic variant.;Patient's phenotype or family history is highly specific for a disease with a single genetic etiology.;Co-segregation with disease in multiple affected family members in a gene definitively known to cause the disease.

Literature cited by the submitters: PubMed 21868336 (cited by Myriad Genetics, Inc. and Labcorp Genetics (formerly Invitae), Labcorp); PubMed 30390020 (cited by Myriad Genetics, Inc. and Labcorp Genetics (formerly Invitae), Labcorp); PubMed 31286697 (cited by 3 submitters); PubMed 36483092 (cited by Myriad Genetics, Inc.); PubMed 36829089 (cited by Myriad Genetics, Inc. and Natera, Inc.); PubMed 38674419 (cited by Myriad Genetics, Inc. and Labcorp Genetics (formerly Invitae), Labcorp); PubMed 16372135 (cited by 4 submitters); PubMed 25303967 (cited by Natera, Inc.); PubMed 35138478 (cited by Natera, Inc. and Women's Health and Genetics/Laboratory Corporation of America, LabCorp); PubMed 22196754 (cited by Women's Health and Genetics/Laboratory Corporation of America, LabCorp); PubMed 39213088 (cited by Women's Health and Genetics/Laboratory Corporation of America, LabCorp); PubMed 29603301 (cited by Women's Health and Genetics/Laboratory Corporation of America, LabCorp).